The following is an entry in ClinVar:

NM_001378452.1(ITPR1):c.5717G>A (p.Arg1906Gln)

Gene: ITPR1 (inositol 1,4,5-trisphosphate receptor type 1; plus strand). Cytogenetic location: 3p26.1.
Variant type: single nucleotide variant.
Coding change: c.5717G>A on transcript NM_001378452.1 (MANE Select); coding-DNA position 5717, G replaced by A.
Protein change: p.Arg1906Gln; replaces arginine 1906 with glutamine.
Molecular consequence: missense variant.
Genome position (GRCh38, 1-based): chr3:4,766,702, G>A. VCF-style: chr3-4766702-G-A. GRCh37 (hg19) VCF-style: chr3-4808386-G-A.
Other names: c.5573G>A, p.Arg1858Gln (NM_001099952.4); c.5672G>A, p.Arg1891Gln (NM_001168272.2); c.5528G>A, p.Arg1843Gln (NM_002222.7); c.5528G>A (NM_002222.5); short protein forms R1843Q, R1906Q, R1858Q, R1891Q.
Identifiers: ClinVar variation 1924757 (VCV001924757.6), dbSNP rs769969678, ClinGen allele CA2232391.

ClinVar aggregate classification (germline): Uncertain significance. Review status: criteria provided, multiple submitters, no conflicts (2 of 4 stars). 2 submissions from 2 submitters: Uncertain significance (2). Last evaluated 2026-01-26.

Conditions:
Inborn genetic diseases. Identifiers: MedGen C0950123, MeSH D030342.

Allele frequency attached by ClinVar (database versions not stated): ExAC 0.00002.
gnomAD v4.1: 18 of 1,591,540 alleles (0.0011%); highest among the groups gnomAD compares: Admixed American, 0.0036%; no homozygotes.

Submissions (2):

Labcorp Genetics (formerly Invitae), Labcorp
Classification: Uncertain significance. Last evaluated: 2026-01-26. Review status: criteria provided, single submitter. Criteria: Invitae Variant Classification Sherloc (09022015). Collection method: clinical testing. Allele origin: germline.
Comment: This sequence change replaces arginine, which is basic and polar, with glutamine, which is neutral and polar, at codon 1843 of the ITPR1 protein (p.Arg1843Gln). This variant is present in population databases (rs769969678, gnomAD 0.007%). This variant has not been reported in the literature in individuals affected with ITPR1-related conditions. ClinVar contains an entry for this variant (Variation ID: 1924757). Invitae Evidence Modeling of protein sequence and biophysical properties (such as structural, functional, and spatial information, amino acid conservation, physicochemical variation, residue mobility, and thermodynamic stability) indicates that this missense variant is not expected to disrupt ITPR1 protein function with a negative predictive value of 95%. In summary, the available evidence is currently insufficient to determine the role of this variant in disease. Therefore, it has been classified as a Variant of Uncertain Significance.

Ambry Genetics
Classification: Uncertain significance for Inborn genetic diseases. Last evaluated: 2024-09-03. Review status: criteria provided, single submitter. Criteria: Ambry Variant Classification Scheme 2023. Collection method: clinical testing. Allele origin: germline.